The following is an entry in ClinVar:

ClinVar aggregate classification (germline): Uncertain significance (1 of 4 stars; one submission).

Conditions:
Autosomal recessive early-onset Parkinson disease 6 (PARK6). Also called: PARKINSON DISEASE 6, EARLY-ONSET; PINK1 Type of Young-Onset Parkinson Disease; PINK1-Related Parkinson Disease; PARKINSON DISEASE 6, MODIFIER OF. Identifiers: Orphanet 2828, MedGen C1853833, MONDO:0011613, OMIM 605909.

gnomAD v4.1: 22 of 1,612,854 alleles (0.0014%); highest among the groups gnomAD compares: Non-Finnish European, 0.0018%; no homozygotes.

Submission:

Labcorp Genetics (formerly Invitae), Labcorp
Classification: Uncertain significance for Autosomal recessive early-onset Parkinson disease 6. Last evaluated: 2021-09-18. Review status: criteria provided, single submitter. Criteria: Invitae Variant Classification Sherloc (09022015). Collection method: clinical testing. Allele origin: germline.
Comment: Algorithms developed to predict the effect of missense changes on protein structure and function are either unavailable or do not agree on the potential impact of this missense change (SIFT: "Deleterious"; PolyPhen-2: "Probably Damaging"; Align-GVGD: "Class C0"). In summary, the available evidence is currently insufficient to determine the role of this variant in disease. Therefore, it has been classified as a Variant of Uncertain Significance. This variant has not been reported in the literature in individuals affected with PINK1-related conditions. This sequence change replaces valine with methionine at codon 418 of the PINK1 protein (p.Val418Met). The valine residue is highly conserved and there is a small physicochemical difference between valine and methionine. This variant is present in population databases (rs777895210, ExAC 0.002%).

NM_032409.3(PINK1):c.1252G>A (p.Val418Met)

Genes: PINK1 (PTEN induced kinase 1; plus strand), PINK1-AS (PINK1 antisense RNA; minus strand). Cytogenetic location: 1p36.12.
Variant type: single nucleotide variant.
Coding change: c.1252G>A on transcript NM_032409.3 (MANE Select); coding-DNA position 1252, G replaced by A.
Protein change: p.Val418Met; replaces valine 418 with methionine.
Molecular consequence: missense variant. On other transcripts: non-coding transcript variant (1).
Genome position (GRCh38, 1-based): chr1:20,648,995, G>A. VCF-style: chr1-20648995-G-A. GRCh37 (hg19) VCF-style: chr1-20975488-G-A.
Other names: short protein forms V418M.
Identifiers: ClinVar variation 1411317 (VCV001411317.6), dbSNP rs777895210, ClinGen allele CA660778.